The following is an entry in ClinVar:

ClinVar aggregate classification (germline): Likely benign (1 of 4 stars; one submission).

gnomAD v4.1: 4 of 1,610,556 alleles (0.00025%); highest among the groups gnomAD compares: African/African-American, 0.004%; no homozygotes.

Submission:

CeGaT Center for Human Genetics Tuebingen
Classification: Likely benign. Last evaluated: 2026-03-01. Review status: criteria provided, single submitter. Criteria: CeGaT Center For Human Genetics Tuebingen Variant Classification Criteria Version 2. Collection method: clinical testing. Allele origin: germline. Affected: yes. Observed: 1 variant allele.
Comment: TUBGCP4: BP4, BP7

NM_014444.5(TUBGCP4):c.702A>G (p.Gln234=)

Gene: TUBGCP4 (tubulin gamma complex component 4; plus strand). Cytogenetic location: 15q15.3.
Variant type: single nucleotide variant.
Coding change: c.702A>G on transcript NM_014444.5 (MANE Select); coding-DNA position 702, A replaced by G.
Protein change: p.Gln234=; no amino-acid change (glutamine 234 retained).
Molecular consequence: synonymous variant.
Genome position (GRCh38, 1-based): chr15:43,383,483, A>G. VCF-style: chr15-43383483-A-G. GRCh37 (hg19) VCF-style: chr15-43675681-A-G.
Other names: c.702A>G, p.Gln234= (NM_001286414.3).
Identifiers: ClinVar variation 4823712 (VCV004823712.4).
Genomic context (GRCh38, chr15:43,383,483, plus strand): 5'-CAGTGCCCAGCCAGAAGAGGACGAGGAGGATCTGGGCATTGGGGGACTGACAGGAAAACA[A>G]CTGAGAGAACTGCAGGACTTGGTGAGAGCCCAAAAAGTAGCCTAGCACTCTCCTGCCAGG-3'
Protein context (NP_055259.2, residues 224-244): DLGIGGLTGK[Gln234=]LRELQDLRLI